The following is an entry in ClinVar:

NM_017491.5(WDR1):c.1569+9C>T

Gene: WDR1 (WD repeat domain 1; minus strand). Cytogenetic location: 4p16.1.
Variant type: single nucleotide variant.
Coding change: c.1569+9C>T on transcript NM_017491.5 (MANE Select); 9 bases into the intron after coding-DNA position 1569, C replaced by T.
Molecular consequence: intron variant.
Genome position (GRCh38, 1-based): chr4:10,077,744, G>A on the plus strand (C>T on the coding strand, the complement: WDR1 is on the minus strand). VCF-style: chr4-10077744-G-A. GRCh37 (hg19) VCF-style: chr4-10079368-G-A.
Other names: c.1149+9C>T (NM_005112.5); c.1569+9C>T (NM_017491.3).
Identifiers: ClinVar variation 1540090 (VCV001540090.10), dbSNP rs370620143, ClinGen allele CA2857527.
Genomic context (GRCh38, chr4:10,077,744, plus strand): 5'-ACAGATAACCTCCCACTGCCACCTGCACCGCCCAGCACGGGGACAGAGGAGGAGCCCGCC[G>A]CCACTCACCGAGTAGCCGTCAGCAACGCTGAACACTGTGACCACCTTGCTGGCGTCGCAC-3'

ClinVar aggregate classification (germline): Likely benign. Review status: criteria provided, multiple submitters, no conflicts (2 of 4 stars). 3 submissions from 3 submitters: Likely benign (3). Last evaluated 2025-10-12.

Conditions:
WDR1-related disorder. Also called: WDR1-related condition.

Allele frequency attached by ClinVar (database versions not stated): gnomAD 0.00004; TOPMed 0.00005; gnomAD exomes 0.00007 and 0.00008; ESP Exome Variant Server 0.00008; ExAC 0.00030.
gnomAD v4.1: 117 of 1,568,646 alleles (0.0075%); highest among the groups gnomAD compares: Middle Eastern, 0.12%; no homozygotes.

Submissions (3):

Labcorp Genetics (formerly Invitae), Labcorp
Classification: Likely benign. Last evaluated: 2025-10-12. Review status: criteria provided, single submitter. Criteria: Invitae Variant Classification Sherloc (09022015). Collection method: clinical testing. Allele origin: germline.

Blueprint Genetics
Classification: Likely benign. Last evaluated: 2024-11-05. Review status: criteria provided, single submitter. Criteria: ACMG Guidelines, 2015. Collection method: clinical testing. Allele origin: germline.

PreventionGenetics, part of Exact Sciences
Classification: Likely benign for WDR1-related condition. Last evaluated: 2024-10-07. Review status: criteria provided, single submitter. Criteria: ACMG Guidelines, 2015. Collection method: clinical testing. Allele origin: germline.
Comment: This variant is classified as likely benign based on ACMG/AMP sequence variant interpretation guidelines (Richards et al. 2015 PMID: 25741868, with internal and published modifications).